The following is an entry in ClinVar:

ClinVar aggregate classification (germline): Likely pathogenic (1 of 4 stars; one submission).

Submission:

GeneDx
Classification: Likely pathogenic. Last evaluated: 2025-12-19. Review status: criteria provided, single submitter. Criteria: GeneDx Variant Classification Process June 2021. Collection method: clinical testing. Allele origin: germline.
Comment: Not observed at significant frequency in large population cohorts (gnomAD); In silico analysis supports that this missense variant has a deleterious effect on protein structure/function; Has not been previously published as pathogenic or benign to our knowledge

NM_001256012.3(MYH10):c.1973G>A (p.Gly658Asp)

Gene: MYH10 (myosin heavy chain 10; minus strand). Cytogenetic location: 17p13.1.
Variant type: single nucleotide variant.
Coding change: c.1973G>A on transcript NM_001256012.3 (MANE Select); coding-DNA position 1973, G replaced by A.
Protein change: p.Gly658Asp; replaces glycine 658 with aspartic acid.
Molecular consequence: missense variant.
Genome position (GRCh38, 1-based): chr17:8,521,270, C>T on the plus strand (G>A on the coding strand, the complement: MYH10 is on the minus strand). VCF-style: chr17-8521270-C-T. GRCh37 (hg19) VCF-style: chr17-8424588-C-T.
Other names: c.1907G>A, p.Gly636Asp (NM_001256095.2); c.1910G>A, p.Gly637Asp (NM_001375266.1); c.1880G>A, p.Gly627Asp (NM_005964.5); short protein forms G627D, G636D, G637D, G658D.
Identifiers: ClinVar variation 3899563 (VCV003899563.2).